The following is an entry in ClinVar:

ClinVar aggregate classification (germline): Uncertain significance (1 of 4 stars; one submission).

Allele frequency attached by ClinVar (database versions not stated): gnomAD exomes below 0.00001; TOPMed 0.00001.
gnomAD v4.1: 1 of 1,614,220 alleles (0.000062%); highest among the groups gnomAD compares: Non-Finnish European, 0.000085%; no homozygotes.

Submission:

Ambry Genetics
Classification: Uncertain significance. Last evaluated: 2024-01-17. Review status: criteria provided, single submitter. Criteria: Ambry Variant Classification Scheme 2023. Collection method: clinical testing. Allele origin: germline.
Comment: The p.L340F variant (also known as c.1018C>T), located in coding exon 10 of the BUB1 gene, results from a C to T substitution at nucleotide position 1018. The leucine at codon 340 is replaced by phenylalanine, an amino acid with highly similar properties. This amino acid position is conserved. In addition, this alteration is predicted to be tolerated by in silico analysis. Since supporting evidence is limited at this time, the clinical significance of this alteration remains unclear.

NM_004336.5(BUB1):c.1018C>T (p.Leu340Phe)

Gene: BUB1 (BUB1 mitotic checkpoint serine/threonine kinase; minus strand). Cytogenetic location: 2q13.
Variant type: single nucleotide variant.
Coding change: c.1018C>T on transcript NM_004336.5 (MANE Select); coding-DNA position 1018, C replaced by T.
Protein change: p.Leu340Phe; replaces leucine 340 with phenylalanine.
Molecular consequence: missense variant.
Genome position (GRCh38, 1-based): chr2:110,661,781, G>A on the plus strand (C>T on the coding strand, the complement: BUB1 is on the minus strand). VCF-style: chr2-110661781-G-A. GRCh37 (hg19) VCF-style: chr2-111419358-G-A.
Other names: c.958C>T, p.Leu320Phe (NM_001278616.2); c.1018C>T, p.Leu340Phe (NM_001278617.2); short protein forms L320F, L340F.
Identifiers: ClinVar variation 1750421 (VCV001750421.2), dbSNP rs895449290, ClinGen allele CA53536601.